The following is an entry in ClinVar:

NM_198407.2(GHSR):c.56T>G (p.Leu19Arg)

Gene: GHSR (growth hormone secretagogue receptor; minus strand). Cytogenetic location: 3q26.31.
Variant type: single nucleotide variant.
Coding change: c.56T>G on transcript NM_198407.2 (MANE Select); coding-DNA position 56, T replaced by G.
Protein change: p.Leu19Arg; replaces leucine 19 with arginine.
Molecular consequence: missense variant.
Genome position (GRCh38, 1-based): chr3:172,448,358, A>C on the plus strand (T>G on the coding strand, the complement: GHSR is on the minus strand). VCF-style: chr3-172448358-A-C. GRCh37 (hg19) VCF-style: chr3-172166148-A-C.
Other names: c.56T>G, p.Leu19Arg (NM_004122.2); short protein forms L19R.
Identifiers: ClinVar variation 4771774 (VCV004771774.1).
Genomic context (GRCh38, chr3:172,448,358, plus strand): 5'-GGGAAGAGCTGCAGCAGCTCGTCGCCCAGCGAGTCGTTGCCGGGGGAAGCATCCCAGTCC[A>C]GGTCGGCCAGTGTGAGGTTGAACCCCGGCTCTTCGCTGGGCGTCGCGTTCCACATGCTGC-3'
Protein context (NP_940799.1, residues 9-29): EPGFNLTLAD[Leu19Arg]DWDASPGNDS

ClinVar aggregate classification (germline): Uncertain significance (1 of 4 stars; one submission).

Submission:

Labcorp Genetics (formerly Invitae), Labcorp
Classification: Uncertain significance. Last evaluated: 2025-04-22. Review status: criteria provided, single submitter. Criteria: Invitae Variant Classification Sherloc (09022015). Collection method: clinical testing. Allele origin: germline.
Comment: This sequence change replaces leucine, which is neutral and non-polar, with arginine, which is basic and polar, at codon 19 of the GHSR protein (p.Leu19Arg). This variant is present in population databases (rs138443343, gnomAD 0.0009%). This variant has not been reported in the literature in individuals affected with GHSR-related conditions. An algorithm developed to predict the effect of missense changes on protein structure and function (PolyPhen-2) suggests that this variant is likely to be tolerated. In summary, the available evidence is currently insufficient to determine the role of this variant in disease. Therefore, it has been classified as a Variant of Uncertain Significance.